The following is an entry in ClinVar:

NM_000020.3(ACVRL1):c.778A>C (p.Ile260Leu)

Gene: ACVRL1 (activin A receptor like type 1; plus strand). Cytogenetic location: 12q13.13.
Variant type: single nucleotide variant.
Coding change: c.778A>C on transcript NM_000020.3 (MANE Select); coding-DNA position 778, A replaced by C.
Protein change: p.Ile260Leu; replaces isoleucine 260 with leucine.
Molecular consequence: missense variant.
Genome position (GRCh38, 1-based): chr12:51,915,230, A>C. VCF-style: chr12-51915230-A-C. GRCh37 (hg19) VCF-style: chr12-52309014-A-C.
Other names: p.Ile260Leu; c.778A>C, p.Ile260Leu (NM_001406487.1, NM_001406488.1, NM_001406489.1 and 1 more transcripts); c.466A>C, p.Ile156Leu (NM_001406490.1, NM_001406491.1, NM_001406492.1 and 2 more transcripts); c.214A>C, p.Ile72Leu (NM_001406495.1); short protein forms I260L, I156L, I72L.
Identifiers: ClinVar variation 4541715 (VCV004541715.1).

ClinVar aggregate classification (germline): Uncertain significance (1 of 4 stars; one submission).

gnomAD v4.1: 10 of 1,614,012 alleles (0.00062%); highest among the groups gnomAD compares: Non-Finnish European, 0.00085%; no homozygotes.

Submission:

Mayo Clinic Laboratories, Mayo Clinic
Classification: Uncertain significance. Last evaluated: 2025-07-29. Review status: criteria provided, single submitter. Criteria: ACMG Guidelines, 2015. Collection method: clinical testing. Allele origin: germline. Observed: 1 variant allele.
Comment: PP3, PM2_supporting

Literature cited by the submitters: PubMed 16752392.